The following is an entry in ClinVar:

ClinVar aggregate classification (germline): Uncertain significance (1 of 4 stars; one submission).

gnomAD v4.1: 6 of 1,614,038 alleles (0.00037%); highest among the groups gnomAD compares: African/African-American, 0.0013%; no homozygotes.

Submission:

Labcorp Genetics (formerly Invitae), Labcorp
Classification: Uncertain significance. Last evaluated: 2022-08-23. Review status: criteria provided, single submitter. Criteria: Invitae Variant Classification Sherloc (09022015). Collection method: clinical testing. Allele origin: germline.
Comment: This sequence change replaces arginine, which is basic and polar, with glycine, which is neutral and non-polar, at codon 999 of the ABCA1 protein (p.Arg999Gly). This variant is present in population databases (rs138735406, gnomAD 0.002%). This variant has not been reported in the literature in individuals affected with ABCA1-related conditions. ClinVar contains an entry for this variant (Variation ID: 1354745). Advanced modeling of protein sequence and biophysical properties (such as structural, functional, and spatial information, amino acid conservation, physicochemical variation, residue mobility, and thermodynamic stability) performed at Invitae indicates that this missense variant is not expected to disrupt ABCA1 protein function. In summary, the available evidence is currently insufficient to determine the role of this variant in disease. Therefore, it has been classified as a Variant of Uncertain Significance.

NM_005502.4(ABCA1):c.2995C>G (p.Arg999Gly)

Gene: ABCA1 (ATP binding cassette subfamily A member 1; minus strand). Cytogenetic location: 9q31.1.
Variant type: single nucleotide variant.
Coding change: c.2995C>G on transcript NM_005502.4 (MANE Select); coding-DNA position 2995, C replaced by G.
Protein change: p.Arg999Gly; replaces arginine 999 with glycine.
Molecular consequence: missense variant.
Genome position (GRCh38, 1-based): chr9:104,820,035, G>C on the plus strand (C>G on the coding strand, the complement: ABCA1 is on the minus strand). VCF-style: chr9-104820035-G-C. GRCh37 (hg19) VCF-style: chr9-107582316-G-C.
Other names: short protein forms R999G.
Identifiers: ClinVar variation 1354745 (VCV001354745.6), dbSNP rs138735406, ClinGen allele CA5168577.